The following is an entry in ClinVar:

ClinVar aggregate classification (germline): Uncertain significance (1 of 4 stars; one submission).

Conditions:
EGFR-related lung cancer (EGFR). Identifiers: MedGen CN130014.

Submission:

Labcorp Genetics (formerly Invitae), Labcorp
Classification: Uncertain significance for EGFR-related lung cancer. Last evaluated: 2021-07-21. Review status: criteria provided, single submitter. Criteria: Invitae Variant Classification Sherloc (09022015). Collection method: clinical testing. Allele origin: germline.
Comment: In summary, the available evidence is currently insufficient to determine the role of this variant in disease. Therefore, it has been classified as a Variant of Uncertain Significance. Algorithms developed to predict the effect of missense changes on protein structure and function (SIFT, PolyPhen-2, Align-GVGD) all suggest that this variant is likely to be tolerated. This variant has not been reported in the literature in individuals affected with EGFR-related conditions. This variant is not present in population databases (ExAC no frequency). This sequence change replaces isoleucine with leucine at codon 462 of the EGFR protein (p.Ile462Leu). The isoleucine residue is moderately conserved and there is a small physicochemical difference between isoleucine and leucine.

NM_005228.5(EGFR):c.1384A>C (p.Ile462Leu)

Gene: EGFR (epidermal growth factor receptor; plus strand). Cytogenetic location: 7p11.2.
Variant type: single nucleotide variant.
Coding change: c.1384A>C on transcript NM_005228.5 (MANE Select); coding-DNA position 1384, A replaced by C.
Protein change: p.Ile462Leu; replaces isoleucine 462 with leucine.
Molecular consequence: missense variant.
Genome position (GRCh38, 1-based): chr7:55,160,224, A>C. VCF-style: chr7-55160224-A-C. GRCh37 (hg19) VCF-style: chr7-55227917-A-C.
Other names: c.1249A>C, p.Ile417Leu (NM_001346897.2, NM_001346899.2); c.1384A>C, p.Ile462Leu (NM_001346898.2, NM_201282.2, NM_201284.2); c.1225A>C, p.Ile409Leu (NM_001346900.2); c.583A>C, p.Ile195Leu (NM_001346941.2); short protein forms I417L, I195L, I409L, I462L.
Identifiers: ClinVar variation 1369071 (VCV001369071.8), dbSNP rs2128941497, ClinGen allele CA367579486.